The following is an entry in ClinVar:

ClinVar aggregate classification (germline): Uncertain significance. Review status: criteria provided, multiple submitters, no conflicts (2 of 4 stars). 2 submissions from 2 submitters: Uncertain significance (2). Last evaluated 2026-02-04.

Conditions:
Cardiovascular phenotype. Identifiers: MedGen CN230736.
ABCG5-related disorder. Also called: ABCG5-related condition.

Allele frequency attached by ClinVar (database versions not stated): gnomAD exomes below 0.00001; gnomAD 0.00013; TOPMed 0.00005.
gnomAD v4.1: 30 of 1,558,064 alleles (0.0019%); highest among the groups gnomAD compares: Admixed American, 0.04%; no homozygotes.

Submissions (2):

PreventionGenetics, part of Exact Sciences
Classification: Uncertain significance for ABCG5-related condition. Last evaluated: 2026-02-04. Review status: criteria provided, single submitter. Criteria: ACMG Guidelines, 2015. Collection method: clinical testing. Allele origin: germline.
Comment: The ABCG5 c.1891A>T variant is predicted to result in the amino acid substitution p.Ile631Phe. To our knowledge, this variant has not been reported in the literature. This variant is reported in 0.014% of alleles in individuals of Latino descent in gnomAD. At this time, the clinical significance of this variant is uncertain due to the absence of conclusive functional and genetic evidence.

Ambry Genetics
Classification: Uncertain significance for Cardiovascular phenotype. Last evaluated: 2023-02-26. Review status: criteria provided, single submitter. Criteria: Ambry Variant Classification Scheme 2023. Collection method: clinical testing. Allele origin: germline.
Comment: The p.I631F variant (also known as c.1891A>T), located in coding exon 13 of the ABCG5 gene, results from an A to T substitution at nucleotide position 1891. The isoleucine at codon 631 is replaced by phenylalanine, an amino acid with highly similar properties. This amino acid position is conserved. In addition, the in silico prediction for this alteration is inconclusive. Since supporting evidence is limited at this time, the clinical significance of this alteration remains unclear.

NM_022436.3(ABCG5):c.1891A>T (p.Ile631Phe)

Genes: ABCG5 (ATP binding cassette subfamily G member 5; minus strand), DYNC2LI1 (dynein cytoplasmic 2 light intermediate chain 1; plus strand). Cytogenetic location: 2p21.
Variant type: single nucleotide variant.
Coding change: c.1891A>T on transcript NM_022436.3 (MANE Select); coding-DNA position 1891, A replaced by T.
Protein change: p.Ile631Phe; replaces isoleucine 631 with phenylalanine.
Molecular consequence: missense variant. On other transcripts: intron variant (2).
Genome position (GRCh38, 1-based): chr2:43,813,181, T>A on the plus strand (A>T on the coding strand, the complement: ABCG5 is on the minus strand). VCF-style: chr2-43813181-T-A. GRCh37 (hg19) VCF-style: chr2-44040320-T-A.
Other names: c.*15+2657T>A (NM_001348913.2, NM_001348912.2); short protein forms I631F.
Identifiers: ClinVar variation 2449162 (VCV002449162.3), dbSNP rs1160201715, ClinGen allele CA346661918.
Genomic context (GRCh38, chr2:43,813,181, plus strand): 5'-TGCTAATGAGATGATCCCTTATTTTGAAAACAACTATTCCTAGGATGACAAGAGCTGGAA[T>A]AAATGAATACAAAATCAGAAAGTTCATTGTGAATCTAGATGTTGCACCTGGGCAGGTTTT-3'
Protein context (NP_071881.1, residues 621-641): TMNFLILYSF[Ile631Phe]PALVILGIVV